The following is an entry in ClinVar:

ClinVar aggregate classification (germline): Conflicting classifications of pathogenicity. Review status: criteria provided, conflicting classifications (1 of 4 stars). 5 submissions from 5 submitters: Uncertain significance (3); Likely benign (2). Last evaluated 2025-08-07.

Conditions:
COL11A1-related disorder. Also called: COL11A1-related disorders; COL11A1-related condition.
Inborn genetic diseases. Identifiers: MedGen C0950123, MeSH D030342.

Allele frequency attached by ClinVar (database versions not stated): gnomAD exomes 0.00004; ExAC 0.00009; gnomAD 0.00013 and 0.00014; TOPMed 0.00017; ESP Exome Variant Server 0.00023.
gnomAD v4.1: 30 of 1,489,094 alleles (0.002%); highest among the groups gnomAD compares: African/African-American, 0.041%; no homozygotes.

Submissions (5):

PreventionGenetics, part of Exact Sciences
Classification: Uncertain significance for COL11A1-related condition. Last evaluated: 2025-08-07. Review status: criteria provided, single submitter. Criteria: ACMG Guidelines, 2015. Collection method: clinical testing. Allele origin: germline.
Comment: The COL11A1 c.4270G>C variant is predicted to result in the amino acid substitution p.Ala1424Pro. To our knowledge, this variant has not been reported in the literature. This variant is reported in 0.067% of alleles in individuals of African descent in gnomAD. Although we suspect that this variant may be benign, at this time, the clinical significance of this variant is uncertain due to the absence of conclusive functional and genetic evidence.

Ambry Genetics
Classification: Uncertain significance for Inborn genetic diseases. Last evaluated: 2025-03-08. Review status: criteria provided, single submitter. Criteria: Ambry Variant Classification Scheme 2023. Collection method: clinical testing. Allele origin: germline.

GeneDx
Classification: Uncertain significance. Last evaluated: 2023-03-02. Review status: criteria provided, single submitter. Criteria: GeneDx Variant Classification Process June 2021. Collection method: clinical testing. Allele origin: germline. Affected: yes.
Comment: Has not been previously published as pathogenic or benign to our knowledge; In silico analysis supports that this missense variant does not alter protein structure/function

Labcorp Genetics (formerly Invitae), Labcorp
Classification: Likely benign. Last evaluated: 2022-11-22. Review status: criteria provided, single submitter. Criteria: Invitae Variant Classification Sherloc (09022015). Collection method: clinical testing. Allele origin: germline.

Blueprint Genetics
Classification: Likely benign. Last evaluated: 2022-09-13. Review status: criteria provided, single submitter. Criteria: ACMG Guidelines, 2015. Collection method: clinical testing. Allele origin: germline.

NM_001854.4(COL11A1):c.4270G>C (p.Ala1424Pro)

Gene: COL11A1 (collagen type XI alpha 1 chain; minus strand). Cytogenetic location: 1p21.1.
Variant type: single nucleotide variant.
Coding change: c.4270G>C on transcript NM_001854.4 (MANE Select); coding-DNA position 4270, G replaced by C.
Protein change: p.Ala1424Pro; replaces alanine 1424 with proline.
Molecular consequence: missense variant. On other transcripts: non-coding transcript variant (1).
Genome position (GRCh38, 1-based): chr1:102,898,157, C>G on the plus strand (G>C on the coding strand, the complement: COL11A1 is on the minus strand). VCF-style: chr1-102898157-C-G. GRCh37 (hg19) VCF-style: chr1-103363713-C-G.
Other names: c.4153G>C, p.Ala1385Pro (NM_001190709.2); c.4306G>C, p.Ala1436Pro (NM_080629.3); c.3922G>C, p.Ala1308Pro (NM_080630.4); short protein forms A1308P, A1385P, A1424P, A1436P.
Identifiers: ClinVar variation 1691154 (VCV001691154.11), dbSNP rs371230505, ClinGen allele CA973616.